The following is an entry in ClinVar:

NM_000057.4(BLM):c.4018C>T (p.Pro1340Ser)

Gene: BLM (BLM RecQ like helicase; plus strand). Cytogenetic location: 15q26.1.
Variant type: single nucleotide variant.
Coding change: c.4018C>T on transcript NM_000057.4 (MANE Select); coding-DNA position 4018, C replaced by T.
Protein change: p.Pro1340Ser; replaces proline 1340 with serine.
Molecular consequence: missense variant.
Genome position (GRCh38, 1-based): chr15:90,811,348, C>T. VCF-style: chr15-90811348-C-T. GRCh37 (hg19) VCF-style: chr15-91354578-C-T.
Other names: c.4018C>T, p.Pro1340Ser (NM_001287246.2); c.3625C>T, p.Pro1209Ser (NM_001287247.2); c.2893C>T, p.Pro965Ser (NM_001287248.2); short protein forms P1340S, P1209S, P965S.
Identifiers: ClinVar variation 3638930 (VCV003638930.2).

ClinVar aggregate classification (germline): Uncertain significance (1 of 4 stars; one submission).

Conditions:
Bloom syndrome (BLM). Also called: Bloom-Torre-Machacek syndrome. Identifiers: Orphanet 125, MedGen C0005859, MONDO:0008876, OMIM 210900.

Submission:

Labcorp Genetics (formerly Invitae), Labcorp
Classification: Uncertain significance for Bloom syndrome. Last evaluated: 2024-02-05. Review status: criteria provided, single submitter. Criteria: Invitae Variant Classification Sherloc (09022015). Collection method: clinical testing. Allele origin: germline.
Comment: This sequence change replaces proline, which is neutral and non-polar, with serine, which is neutral and polar, at codon 1340 of the BLM protein (p.Pro1340Ser). This variant is not present in population databases (gnomAD no frequency). This variant has not been reported in the literature in individuals affected with BLM-related conditions. Advanced modeling of protein sequence and biophysical properties (such as structural, functional, and spatial information, amino acid conservation, physicochemical variation, residue mobility, and thermodynamic stability) performed at Invitae indicates that this missense variant is not expected to disrupt BLM protein function with a negative predictive value of 80%. In summary, the available evidence is currently insufficient to determine the role of this variant in disease. Therefore, it has been classified as a Variant of Uncertain Significance.